The following is an entry in ClinVar:

NM_000263.4(NAGLU):c.1129C>T (p.Arg377Cys)

Gene: NAGLU (N-acetyl-alpha-glucosaminidase; plus strand). Cytogenetic location: 17q21.2.
Variant type: single nucleotide variant.
Coding change: c.1129C>T on transcript NM_000263.4 (MANE Select); coding-DNA position 1129, C replaced by T.
Protein change: p.Arg377Cys; replaces arginine 377 with cysteine.
Molecular consequence: missense variant.
Genome position (GRCh38, 1-based): chr17:42,543,135, C>T. VCF-style: chr17-42543135-C-T. GRCh37 (hg19) VCF-style: chr17-40695153-C-T.
Other names: c.1129C>T (NM_000263.3); short protein forms R377C.
Identifiers: ClinVar variation 1396302 (VCV001396302.7), dbSNP rs762372103, ClinGen allele CA8576968.
Genomic context (GRCh38, chr17:42,543,135, plus strand): 5'-CAGCCGCAGTTCTGGGGGCCCGCCCAGATCAGGGCTGTGCTGGGAGCTGTGCCCCGTGGC[C>T]GCCTCCTGGTTCTGGACCTGTTTGCTGAGAGCCAGCCTGTGTATACCCGCACTGCCTCCT-3'
Protein context (NP_000254.2, residues 367-387): RAVLGAVPRG[Arg377Cys]LLVLDLFAES

ClinVar aggregate classification (germline): Uncertain significance. Review status: criteria provided, multiple submitters, no conflicts (2 of 4 stars). 3 submissions from 3 submitters: Uncertain significance (3). Last evaluated 2026-03-10.

Conditions:
Charcot-Marie-Tooth disease axonal type 2V. Also called: CHARCOT-MARIE-TOOTH NEUROPATHY, TYPE 2V; CHARCOT-MARIE-TOOTH DISEASE, AXONAL, AUTOSOMAL DOMINANT, TYPE 2V. Identifiers: Orphanet 447964, MedGen C5569050, MONDO:0014665, OMIM 616491.
Mucopolysaccharidosis, MPS-III-B (MPS3B). Also called: MPS IIIB (Sanfilippo Syndrome Type B); N-ACETYL-ALPHA-D-GLUCOSAMINIDASE DEFICIENCY; NAGLU DEFICIENCY; MUCOPOLYSACCHARIDOSIS, TYPE IIIB; Mucopolysaccharidosis type IIIB (Sanfilippo B); SANFILIPPO SYNDROME B. Identifiers: Orphanet 79270, MedGen C0086648, MONDO:0009656, OMIM 252920.
NAGLU-related disorder. Also called: NAGLU-related condition.

Allele frequency attached by ClinVar (database versions not stated): ExAC 0.00001; gnomAD exomes 0.00002; TOPMed 0.00001; gnomAD 0.00001.

Submissions (3):

PreventionGenetics, part of Exact Sciences
Classification: Uncertain significance for NAGLU-related condition. Last evaluated: 2026-03-10. Review status: criteria provided, single submitter. Criteria: ACMG Guidelines, 2015. Collection method: clinical testing. Allele origin: germline.
Comment: The NAGLU c.1129C>T variant is predicted to result in the amino acid substitution p.Arg377Cys. To our knowledge, this variant has not been reported in the literature. This variant is reported in 0.011% of alleles in individuals of African descent in gnomAD. At this time, the clinical significance of this variant is uncertain due to the absence of conclusive functional and genetic evidence.

Blueprint Genetics
Classification: Uncertain significance. Last evaluated: 2023-06-26. Review status: criteria provided, single submitter. Criteria: ACMG Guidelines, 2015. Collection method: clinical testing. Allele origin: germline.

Labcorp Genetics (formerly Invitae), Labcorp
Classification: Uncertain significance for Charcot-Marie-Tooth disease axonal type 2V; Mucopolysaccharidosis, MPS-III-B. Last evaluated: 2021-08-26. Review status: criteria provided, single submitter. Criteria: Invitae Variant Classification Sherloc (09022015). Collection method: clinical testing. Allele origin: germline.
Comment: This sequence change replaces arginine with cysteine at codon 377 of the NAGLU protein (p.Arg377Cys). The arginine residue is highly conserved and there is a large physicochemical difference between arginine and cysteine. This variant is present in population databases (rs762372103, ExAC 0.002%). This variant has not been reported in the literature in individuals affected with NAGLU-related conditions. Algorithms developed to predict the effect of missense changes on protein structure and function are either unavailable or do not agree on the potential impact of this missense change (SIFT: "Deleterious"; PolyPhen-2: "Benign"; Align-GVGD: "Class C0"). In summary, the available evidence is currently insufficient to determine the role of this variant in disease. Therefore, it has been classified as a Variant of Uncertain Significance.